The following is an entry in ClinVar:

ClinVar aggregate classification (germline): Uncertain significance (1 of 4 stars; one submission).

Allele frequency attached by ClinVar (database versions not stated): gnomAD exomes below 0.00001; TOPMed below 0.00001.
gnomAD v4.1: 2 of 1,613,806 alleles (0.00012%); highest among the groups gnomAD compares: Admixed American, 0.0033%; no homozygotes.

Submission:

Labcorp Genetics (formerly Invitae), Labcorp
Classification: Uncertain significance. Last evaluated: 2022-07-11. Review status: criteria provided, single submitter. Criteria: Invitae Variant Classification Sherloc (09022015). Collection method: clinical testing. Allele origin: germline.
Comment: This variant is present in population databases (no rsID available, gnomAD 0.006%). This sequence change replaces alanine, which is neutral and non-polar, with threonine, which is neutral and polar, at codon 1394 of the PIK3C2A protein (p.Ala1394Thr). This variant has not been reported in the literature in individuals affected with PIK3C2A-related conditions. Algorithms developed to predict the effect of missense changes on protein structure and function are either unavailable or do not agree on the potential impact of this missense change (SIFT: "Not Available"; PolyPhen-2: "Probably Damaging"; Align-GVGD: "Not Available"). In summary, the available evidence is currently insufficient to determine the role of this variant in disease. Therefore, it has been classified as a Variant of Uncertain Significance.

NM_002645.4(PIK3C2A):c.4180G>A (p.Ala1394Thr)

Gene: PIK3C2A (phosphatidylinositol-4-phosphate 3-kinase catalytic subunit type 2 alpha; minus strand). Cytogenetic location: 11p15.1.
Variant type: single nucleotide variant.
Coding change: c.4180G>A on transcript NM_002645.4 (MANE Select); coding-DNA position 4180, G replaced by A.
Protein change: p.Ala1394Thr; replaces alanine 1394 with threonine.
Molecular consequence: missense variant.
Genome position (GRCh38, 1-based): chr11:17,097,203, C>T on the plus strand (G>A on the coding strand, the complement: PIK3C2A is on the minus strand). VCF-style: chr11-17097203-C-T. GRCh37 (hg19) VCF-style: chr11-17118750-C-T.
Other names: c.4180G>A, p.Ala1394Thr (NM_001321378.2); c.3040G>A, p.Ala1014Thr (NM_001321380.2); c.4012G>A, p.Ala1338Thr (NM_001386870.1); short protein forms A1014T, A1338T, A1394T.
Identifiers: ClinVar variation 1962331 (VCV001962331.4), dbSNP rs1487590917, ClinGen allele CA379758543.